The following is an entry in ClinVar:

NM_006005.3(WFS1):c.1078T>C (p.Cys360Arg)

Gene: WFS1 (wolframin ER transmembrane glycoprotein; plus strand). Cytogenetic location: 4p16.1.
Variant type: single nucleotide variant.
Coding change: c.1078T>C on transcript NM_006005.3 (MANE Select); coding-DNA position 1078, T replaced by C.
Protein change: p.Cys360Arg; replaces cysteine 360 with arginine.
Molecular consequence: missense variant.
Genome position (GRCh38, 1-based): chr4:6,300,873, T>C. VCF-style: chr4-6300873-T-C. GRCh37 (hg19) VCF-style: chr4-6302600-T-C.
Other names: c.1078T>C, p.Cys360Arg (NM_001145853.1); short protein forms C360R.
Identifiers: ClinVar variation 2790627 (VCV002790627.6), dbSNP rs980469343, ClinGen allele CA356174208.

ClinVar aggregate classification (germline): Uncertain significance. Review status: criteria provided, multiple submitters, no conflicts (2 of 4 stars). 3 submissions from 3 submitters: Uncertain significance (2). 1 of the submissions does not count toward it. Last evaluated 2026-10-06.

Conditions:
Retinal dystrophy. Also called: Inherited retinal dystrophy. Identifiers: Orphanet 71862, MedGen C0854723, MeSH D058499, MONDO:0019118, HP:0000556.

gnomAD v4.1: 1 of 1,614,130 alleles (0.000062%); highest among the groups gnomAD compares: Non-Finnish European, 0.000085%; no homozygotes.

Submissions (3):

GeneDx
Classification: Uncertain significance. Last evaluated: 2026-10-06. Review status: criteria provided, single submitter. Criteria: GeneDx Variant Classification Process June 2021. Collection method: clinical testing. Allele origin: germline.
Comment: Has not been previously published as pathogenic or benign to our knowledge; Not observed at significant frequency in large population cohorts (gnomAD); In silico analysis supports that this missense variant has a deleterious effect on protein structure/function

Labcorp Genetics (formerly Invitae), Labcorp
Classification: Uncertain significance. Last evaluated: 2023-02-07. Review status: criteria provided, single submitter. Criteria: Invitae Variant Classification Sherloc (09022015). Collection method: clinical testing. Allele origin: germline.
Comment: Advanced modeling of protein sequence and biophysical properties (such as structural, functional, and spatial information, amino acid conservation, physicochemical variation, residue mobility, and thermodynamic stability) performed at Invitae indicates that this missense variant is expected to disrupt WFS1 protein function. This sequence change replaces cysteine, which is neutral and slightly polar, with arginine, which is basic and polar, at codon 360 of the WFS1 protein (p.Cys360Arg). This variant is not present in population databases (gnomAD no frequency). This variant has not been reported in the literature in individuals affected with WFS1-related conditions. In summary, the available evidence is currently insufficient to determine the role of this variant in disease. Therefore, it has been classified as a Variant of Uncertain Significance.

Institute of Human Genetics, Univ. Regensburg, Univ. Regensburg
Classification: Uncertain significance for Retinal dystrophy. Last evaluated: 2020-01-01. Review status: no assertion criteria provided. Criteria: ACMG Guidelines, 2015. Collection method: clinical testing. Allele origin: germline. Affected: yes. Not counted in ClinVar's aggregate classification.